The following is an entry in ClinVar:

ClinVar aggregate classification (germline): Uncertain significance. Review status: criteria provided, multiple submitters, no conflicts (2 of 4 stars). 2 submissions from 2 submitters: Uncertain significance (2). Last evaluated 2025-10-17.

Conditions:
Inborn genetic diseases. Identifiers: MedGen C0950123, MeSH D030342.
KBG syndrome (KBGS). Also called: ANKRD11-Related KBG Syndrome. Identifiers: Orphanet 2332, MedGen C0220687, MONDO:0007846, OMIM 148050.

gnomAD v4.1: 8 of 1,614,180 alleles (0.0005%); highest among the groups gnomAD compares: Middle Eastern, 0.049%; no homozygotes.

Submissions (2):

Labcorp Genetics (formerly Invitae), Labcorp
Classification: Uncertain significance for KBG syndrome. Last evaluated: 2025-10-17. Review status: criteria provided, single submitter. Criteria: Invitae Variant Classification Sherloc (09022015). Collection method: clinical testing. Allele origin: germline.
Comment: This sequence change replaces lysine, which is basic and polar, with arginine, which is basic and polar, at codon 1653 of the ANKRD11 protein (p.Lys1653Arg). This variant is present in population databases (rs768889299, gnomAD 0.003%). This variant has not been reported in the literature in individuals affected with ANKRD11-related conditions. Invitae Evidence Modeling of protein sequence and biophysical properties (such as structural, functional, and spatial information, amino acid conservation, physicochemical variation, residue mobility, and thermodynamic stability) indicates that this missense variant is not expected to disrupt ANKRD11 protein function with a negative predictive value of 95%. In summary, the available evidence is currently insufficient to determine the role of this variant in disease. Therefore, it has been classified as a Variant of Uncertain Significance.

Ambry Genetics
Classification: Uncertain significance for Inborn genetic diseases. Last evaluated: 2025-08-03. Review status: criteria provided, single submitter. Criteria: Ambry Variant Classification Scheme 2023. Collection method: clinical testing. Allele origin: germline.

NM_013275.6(ANKRD11):c.4958A>G (p.Lys1653Arg)

Gene: ANKRD11 (ankyrin repeat domain 11; minus strand). Cytogenetic location: 16q24.3.
Variant type: single nucleotide variant.
Coding change: c.4958A>G on transcript NM_013275.6 (MANE Select); coding-DNA position 4958, A replaced by G.
Protein change: p.Lys1653Arg; replaces lysine 1653 with arginine.
Molecular consequence: missense variant.
Genome position (GRCh38, 1-based): chr16:89,281,584, T>C on the plus strand (A>G on the coding strand, the complement: ANKRD11 is on the minus strand). VCF-style: chr16-89281584-T-C. GRCh37 (hg19) VCF-style: chr16-89347992-T-C.
Other names: c.4958A>G, p.Lys1653Arg (NM_001256182.2, NM_001256183.2); short protein forms K1653R.
Identifiers: ClinVar variation 4100510 (VCV004100510.2).